The following is an entry in ClinVar:

NM_000108.5(DLD):c.508G>A (p.Gly170Ser)

Gene: DLD (dihydrolipoamide dehydrogenase; plus strand). Cytogenetic location: 7q31.1.
Variant type: single nucleotide variant.
Coding change: c.508G>A on transcript NM_000108.5 (MANE Select); coding-DNA position 508, G replaced by A.
Protein change: p.Gly170Ser; replaces glycine 170 with serine.
Molecular consequence: missense variant. On other transcripts: intron variant (1).
Genome position (GRCh38, 1-based): chr7:107,905,430, G>A. VCF-style: chr7-107905430-G-A. GRCh37 (hg19) VCF-style: chr7-107545875-G-A.
Other names: c.211G>A, p.Gly71Ser (NM_001289750.1); c.439G>A, p.Gly147Ser (NM_001289751.1); c.438+372G>A (NM_001289752.1); short protein forms G147S, G170S, G71S.
Identifiers: ClinVar variation 990103 (VCV000990103.4), dbSNP rs567286177, ClinGen allele CA4434487.
Genomic context (GRCh38, chr7:107,905,430, plus strand): 5'-GTCAATGGATATGGAAAGATAACTGGCAAAAATCAAGTCACTGCTACGAAAGCTGATGGC[G>A]GCACTCAGGTTATTGATACAAAGAACATTCTTATAGCCACGGGTTCAGAAGTTACTCCTT-3'
Protein context (NP_000099.2, residues 160-180): NQVTATKADG[Gly170Ser]TQVIDTKNIL

ClinVar aggregate classification (germline): Uncertain significance. Review status: criteria provided, single submitter (1 of 4 stars). 2 submissions from 2 submitters: Uncertain significance (1). 1 of the submissions does not count toward it. Last evaluated 2024-01-29.

Conditions:
Pyruvate dehydrogenase E3 deficiency (DLDD). Also called: Dihydrolipoamide Dehydrogenase E3 Deficiency; DLD DEFICIENCY; E3 DEFICIENCY; Dihydrolipoamide Dehydrogenase (E3) Deficiency; Lipoamide dehydrogenase deficiency; MAPLE SYRUP URINE DISEASE, TYPE III. Identifiers: Orphanet 2394, Orphanet 765, MedGen C5574660, MONDO:0009529, OMIM 246900.

Allele frequency attached by ClinVar (database versions not stated): gnomAD 0.00001; gnomAD exomes 0.00001 and 0.00006; TOPMed 0.00001; ExAC 0.00008; 1000 Genomes Project 30x 0.00016; 1000 Genomes Project 0.00020.
gnomAD v4.1: 27 of 1,613,728 alleles (0.0017%); highest among the groups gnomAD compares: South Asian, 0.018%; no homozygotes.

Submissions (2):

Labcorp Genetics (formerly Invitae), Labcorp
Classification: Uncertain significance for Pyruvate dehydrogenase E3 deficiency. Last evaluated: 2024-01-29. Review status: criteria provided, single submitter. Criteria: Invitae Variant Classification Sherloc (09022015). Collection method: clinical testing. Allele origin: germline.
Comment: This sequence change replaces glycine, which is neutral and non-polar, with serine, which is neutral and polar, at codon 170 of the DLD protein (p.Gly170Ser). This variant is present in population databases (rs567286177, gnomAD 0.04%). This variant has not been reported in the literature in individuals affected with DLD-related conditions. ClinVar contains an entry for this variant (Variation ID: 990103). Advanced modeling of protein sequence and biophysical properties (such as structural, functional, and spatial information, amino acid conservation, physicochemical variation, residue mobility, and thermodynamic stability) performed at Invitae indicates that this missense variant is not expected to disrupt DLD protein function with a negative predictive value of 80%. In summary, the available evidence is currently insufficient to determine the role of this variant in disease. Therefore, it has been classified as a Variant of Uncertain Significance.

Natera, Inc.
Classification: Likely benign for Maple syrup urine disease type 3. Last evaluated: 2020-10-28. Review status: no assertion criteria provided. Collection method: clinical testing. Allele origin: germline. Not counted in ClinVar's aggregate classification.